The following is an entry in ClinVar:

GRCh37/hg19 12q24.22-24.33(chr12:117533207-133777902)x3

Genes: ACADS (acyl-CoA dehydrogenase short chain; plus strand), ADGRD1 (adhesion G protein-coupled receptor D1; plus strand), ANAPC5 (anaphase promoting complex subunit 5; minus strand), CCDC92 (coiled-coil domain containing 92; minus strand), CDK2AP1 (cyclin dependent kinase 2 associated protein 1; minus strand) and 130 more. Cytogenetic location: 12q24.22-24.33.
Variant type: copy number gain.
Change: copy number 3 (three copies instead of two) of chr12:117,533,207-133,777,902 (16.24 Mb, GRCh37 coordinates, 1-based), cytogenetic band 12q24.22-24.33.
Identifiers: ClinVar variation 4533322 (VCV004533322.1).

ClinVar aggregate classification (germline): Likely pathogenic (1 of 4 stars; one submission).

Conditions:
Intellectual disability. Also called: Intellectual functioning disability; intellectual disabilities; Intellectual developmental disorder. Identifiers: MedGen C3714756, MeSH D008607, MONDO:0001071, HP:0001249.

Submission:

Keimyung University Dongsan Hospital, Keimyung University School of Medicine
Classification: Likely pathogenic for Intellectual disability. Last evaluated: 2025-11-25. Review status: criteria provided, single submitter. Criteria: ACMG/ClinGen CNV Guidelines, 2019. Collection method: clinical testing. Allele origin: germline. Inheritance: Autosomal dominant inheritance. Affected: yes. Observed: 1 heterozygote.
Comment: This 16.2 Mb duplication at 12q24.22–q24.33 was identified by chromosomal microarray. Large duplications >10 Mb with consistent clinical features meet ACMG CNV criteria for Likely Pathogenic.